The following is an entry in ClinVar:

ClinVar aggregate classification (germline): Uncertain significance (1 of 4 stars; one submission).

gnomAD v4.1: 2 of 1,613,904 alleles (0.00012%); highest among the groups gnomAD compares: Non-Finnish European, 0.00017%; no homozygotes.

Submission:

GeneDx
Classification: Uncertain significance. Last evaluated: 2024-05-13. Review status: criteria provided, single submitter. Criteria: GeneDx Variant Classification Process June 2021. Collection method: clinical testing. Allele origin: germline. Affected: yes.
Comment: Not observed at significant frequency in large population cohorts (gnomAD); In silico analysis supports that this missense variant has a deleterious effect on protein structure/function; Has not been previously published as pathogenic or benign to our knowledge

NM_013436.5(NCKAP1):c.1964C>G (p.Pro655Arg)

Gene: NCKAP1 (NCK associated protein 1; minus strand). Cytogenetic location: 2q32.1.
Variant type: single nucleotide variant.
Coding change: c.1964C>G on transcript NM_013436.5 (MANE Select); coding-DNA position 1964, C replaced by G.
Protein change: p.Pro655Arg; replaces proline 655 with arginine.
Molecular consequence: missense variant.
Genome position (GRCh38, 1-based): chr2:182,957,514, G>C on the plus strand (C>G on the coding strand, the complement: NCKAP1 is on the minus strand). VCF-style: chr2-182957514-G-C. GRCh37 (hg19) VCF-style: chr2-183822242-G-C.
Other names: c.1982C>G, p.Pro661Arg (NM_205842.3); short protein forms P655R, P661R.
Identifiers: ClinVar variation 3378098 (VCV003378098.1).